The following is an entry in ClinVar:

NM_004172.5(SLC1A3):c.182-11_182-8del

Gene: SLC1A3 (solute carrier family 1 member 3; plus strand). Cytogenetic location: 5p13.2.
Variant type: Deletion.
Coding change: c.182-11_182-8del on transcript NM_004172.5 (MANE Select); 11 bases into the intron before coding-DNA position 182 through 8 bases into the intron before coding-DNA position 182, 4 bases deleted (TTTT; older notation c.182-11_182-8delTTTT).
Molecular consequence: intron variant.
Genome position (GRCh38, 1-based): chr5:36,629,439-36,629,442, TTTT deleted; deleting any 4 consecutive bases within chr5:36,629,428-36,629,442 gives the same sequence; the c. name uses the placement nearest the transcript's 3' end. VCF-style (leftmost placement, unchanged base first): chr5-36629427-CTTTT-C. GRCh37 (hg19) VCF-style: chr5-36629529-CTTTT-C.
Other names: c.182-11_182-8del (NM_001438455.1, NM_001438456.1, NM_001438454.1 and 5 more transcripts); c.-289-11_-289-8del (NM_001438460.1, NM_001438461.1); c.-242-11_-242-8del (NM_001438462.1); c.181+20835_181+20838del (NM_001289939.2).
Identifiers: ClinVar variation 4871916 (VCV004871916.2).

ClinVar aggregate classification (germline): Likely benign (1 of 4 stars; one submission).

Submission:

CeGaT Center for Human Genetics Tuebingen
Classification: Likely benign. Last evaluated: 2026-04-01. Review status: criteria provided, single submitter. Criteria: CeGaT Center For Human Genetics Tuebingen Variant Classification Criteria Version 2. Collection method: clinical testing. Allele origin: germline. Affected: yes. Observed: 1 variant allele.
Comment: SLC1A3: BP4, BS1